The following is an entry in ClinVar:

NM_001276270.2(MBD4):c.1227C>A (p.Ser409Arg)

Gene: MBD4 (methyl-CpG binding domain 4, DNA glycosylase; minus strand). Cytogenetic location: 3q21.3.
Variant type: single nucleotide variant.
Coding change: c.1227C>A on transcript NM_001276270.2 (MANE Select); coding-DNA position 1227, C replaced by A.
Protein change: p.Ser409Arg; replaces serine 409 with arginine.
Molecular consequence: missense variant.
Genome position (GRCh38, 1-based): chr3:129,434,093, G>T on the plus strand (C>A on the coding strand, the complement: MBD4 is on the minus strand). VCF-style: chr3-129434093-G-T. GRCh37 (hg19) VCF-style: chr3-129152936-G-T.
Other names: c.1245C>A, p.Ser415Arg (NM_001276271.2, NM_001276272.2, NM_003925.3); c.291C>A, p.Ser97Arg (NM_001276273.2); short protein forms S409R, S415R, S97R.
Identifiers: ClinVar variation 4859578 (VCV004859578.1).

ClinVar aggregate classification (germline): Uncertain significance (1 of 4 stars; one submission).

Conditions:
Inborn genetic diseases. Identifiers: MedGen C0950123, MeSH D030342.

Submission:

Ambry Genetics
Classification: Uncertain significance for Inborn genetic diseases. Last evaluated: 2026-04-12. Review status: criteria provided, single submitter. Criteria: Ambry Variant Classification Scheme 2023. Collection method: clinical testing. Allele origin: germline.
Comment: The p.S409R variant (also known as c.1227C>A), located in coding exon 4 of the MBD4 gene, results from a C to A substitution at nucleotide position 1227. The serine at codon 409 is replaced by arginine, an amino acid with dissimilar properties. This amino acid position is conserved. In addition, this alteration is predicted to be deleterious by in silico analysis. Based on the available evidence, the clinical significance of this variant remains unclear.